The following is an entry in ClinVar:

ClinVar aggregate classification (germline): Conflicting classifications of pathogenicity. Review status: criteria provided, conflicting classifications (1 of 4 stars). 4 submissions from 4 submitters: Uncertain significance (3); Likely benign (1). Last evaluated 2025-12-28.

Conditions:
Donnai-Barrow syndrome. Also called: DBS/FOAR SYNDROME; FACIOOCULOACOUSTICORENAL SYNDROME. Identifiers: Orphanet 2143, MedGen C1857277, MONDO:0009104, OMIM 222448.
Inborn genetic diseases. Identifiers: MedGen C0950123, MeSH D030342.

Allele frequency attached by ClinVar (database versions not stated): gnomAD 0.00001; TOPMed 0.00005.

Submissions (4):

Labcorp Genetics (formerly Invitae), Labcorp
Classification: Likely benign. Last evaluated: 2025-12-28. Review status: criteria provided, single submitter. Criteria: Invitae Variant Classification Sherloc (09022015). Collection method: clinical testing. Allele origin: germline.

Ambry Genetics
Classification: Uncertain significance for Inborn genetic diseases. Last evaluated: 2024-11-28. Review status: criteria provided, single submitter. Criteria: Ambry Variant Classification Scheme 2023. Collection method: clinical testing. Allele origin: germline.

GeneDx
Classification: Uncertain significance. Last evaluated: 2024-06-25. Review status: criteria provided, single submitter. Criteria: GeneDx Variant Classification Process June 2021. Collection method: clinical testing. Allele origin: germline. Affected: yes.
Comment: In silico analysis indicates that this missense variant does not alter protein structure/function; Has not been previously published as pathogenic or benign to our knowledge

Fulgent Genetics
Classification: Uncertain significance for Donnai-Barrow syndrome. Last evaluated: 2024-06-05. Review status: criteria provided, single submitter. Criteria: ACMG Guidelines, 2015. Collection method: clinical testing. Allele origin: germline.

NM_004525.3(LRP2):c.317G>A (p.Ser106Asn)

Gene: LRP2 (LDL receptor related protein 2; minus strand). Cytogenetic location: 2q31.1.
Variant type: single nucleotide variant.
Coding change: c.317G>A on transcript NM_004525.3 (MANE Select); coding-DNA position 317, G replaced by A.
Protein change: p.Ser106Asn; replaces serine 106 with asparagine.
Molecular consequence: missense variant.
Genome position (GRCh38, 1-based): chr2:169,307,391, C>T on the plus strand (G>A on the coding strand, the complement: LRP2 is on the minus strand). VCF-style: chr2-169307391-C-T. GRCh37 (hg19) VCF-style: chr2-170163901-C-T.
Other names: c.317G>A (NM_004525.2); short protein forms S106N.
Identifiers: ClinVar variation 1669801 (VCV001669801.10), dbSNP rs759417883, ClinGen allele CA1955915.